The following is an entry in ClinVar:

ClinVar aggregate classification (germline): Pathogenic (1 of 4 stars; one submission).

Submission:

GeneDx
Classification: Pathogenic. Last evaluated: 2019-02-14. Review status: criteria provided, single submitter. Criteria: GeneDx Variant Classification (06012015). Collection method: clinical testing. Allele origin: germline. Affected: yes.
Comment: The W1377X nonsense variant in the CHD8 gene is predicted to cause loss of normal protein function either through protein truncation or nonsense-mediated mRNA decay. The W1377X variant is not observed in large population cohorts (Lek et al., 2016).

NM_001170629.2(CHD8):c.4131G>A (p.Trp1377Ter)

Gene: CHD8 (chromodomain helicase DNA binding protein 8; minus strand). Cytogenetic location: 14q11.2.
Variant type: single nucleotide variant.
Coding change: c.4131G>A on transcript NM_001170629.2 (MANE Select); coding-DNA position 4131, G replaced by A.
Protein change: p.Trp1377Ter; replaces tryptophan 1377 with a stop codon.
Molecular consequence: nonsense.
Genome position (GRCh38, 1-based): chr14:21,401,445, C>T on the plus strand (G>A on the coding strand, the complement: CHD8 is on the minus strand). VCF-style: chr14-21401445-C-T. GRCh37 (hg19) VCF-style: chr14-21869604-C-T.
Other names: c.3294G>A, p.Trp1098Ter (NM_020920.4); short protein forms W1377*, W1098*.
Identifiers: ClinVar variation 816975 (VCV000816975.1), dbSNP rs1555314582, ClinGen allele CA388896252.
Genomic context (GRCh38, chr14:21,401,445, plus strand): 5'-CTAAAAGAAGAAACTCACCTTGCTGTTGAGCAGATCCATGTCTAGGTCAGCCTTTTTGGC[C>T]CACTTTTGCCAAAAGTTGGGGTCATCCAAAGAAATATCTGTCCTGTTTTCAGAAGCAACA-3'